The following is an entry in ClinVar:

NM_153252.5(BRWD3):c.3939G>A (p.Leu1313=)

Gene: BRWD3 (bromodomain and WD repeat domain containing 3; minus strand). Cytogenetic location: Xq21.1.
Variant type: single nucleotide variant.
Coding change: c.3939G>A on transcript NM_153252.5 (MANE Select); coding-DNA position 3939, G replaced by A.
Protein change: p.Leu1313=; no amino-acid change (leucine 1313 retained).
Molecular consequence: synonymous variant.
Genome position (GRCh38, 1-based): chrX:80,686,929, C>T on the plus strand (G>A on the coding strand, the complement: BRWD3 is on the minus strand). VCF-style: chrX-80686929-C-T. GRCh37 (hg19) VCF-style: chrX-79942428-C-T.
Identifiers: ClinVar variation 914260 (VCV000914260.9), dbSNP rs765601278, ClinGen allele CA10461742.

ClinVar aggregate classification (germline): Benign/Likely benign. Review status: criteria provided, multiple submitters, no conflicts (2 of 4 stars). 3 submissions from 3 submitters: Benign (2); Likely benign (1). Last evaluated 2026-01-19.

Conditions:
Intellectual developmental disorder, X-linked 93. Also called: Intellectual disability, X-linked 93; MENTAL RETARDATION, X-LINKED, WITH MACROCEPHALY. Identifiers: MedGen C1970841, MONDO:0010393, OMIM 300659.

Allele frequency attached by ClinVar (database versions not stated): gnomAD 0.00002 and 0.00003; TOPMed 0.00002; gnomAD exomes 0.00007 and 0.00011; ExAC 0.00009.
gnomAD v4.1: 79 of 1,207,483 alleles (0.0065%); highest among the groups gnomAD compares: Middle Eastern, 0.16%; no homozygotes.

Submissions (3):

Labcorp Genetics (formerly Invitae), Labcorp
Classification: Benign. Last evaluated: 2026-01-19. Review status: criteria provided, single submitter. Criteria: Invitae Variant Classification Sherloc (09022015). Collection method: clinical testing. Allele origin: germline.

Blueprint Genetics
Classification: Likely benign. Last evaluated: 2023-10-09. Review status: criteria provided, single submitter. Criteria: ACMG Guidelines, 2015. Collection method: clinical testing. Allele origin: germline.

Illumina Laboratory Services, Illumina
Classification: Benign for Intellectual developmental disorder, X-linked 93. Last evaluated: 2018-02-02. Review status: criteria provided, single submitter. Criteria: ICSL Variant Classification Criteria 13 December 2019. Collection method: clinical testing. Allele origin: germline.
Comment: This variant was observed in the ICSL laboratory as part of a predisposition screen in an ostensibly healthy population. It had not been previously curated by ICSL or reported in the Human Gene Mutation Database (HGMD: prior to June 1st, 2018), and was therefore a candidate for classification through an automated scoring system. Utilizing variant allele frequency, disease prevalence and penetrance estimates, and inheritance mode, an automated score was calculated to assess if this variant is too frequent to cause the disease. Based on the score and internal cut-off values, a variant classified as benign is not then subjected to further curation. The score for this variant resulted in a classification of benign for this disease.